The following is an entry in ClinVar:

ClinVar aggregate classification (germline): Uncertain significance (1 of 4 stars; one submission).

Conditions:
CPOX-related neurovisceral and phototoxic porphyria. Also called: CPOX-related hereditary coproporphyria. Identifiers: MedGen CN322458, MONDO:0800180.

Submission:

Victorian Clinical Genetics Services, Murdoch Childrens Research Institute
Classification: Uncertain significance for CPOX-related neurovisceral and phototoxic porphyria. Last evaluated: 2025-08-13. Review status: criteria provided, single submitter. Criteria: ACMG Guidelines, 2015. Collection method: clinical testing. Allele origin: germline. Affected: yes.
Comment: This variant is classified as VUS-3A. Evidence in support of pathogenic classification: Variant is absent from gnomAD (v2, v3 and v4); Missense variant predicted to be damaging by in silico tool(s) or highly conserved with a major amino acid change; Very strong and specific phenotype match for this individual. Additional information: Variant is predicted to result in a missense amino acid change from Ala to Pro; This variant is heterozygous; This gene is associated with both recessive and dominant disease; Alternative amino acid change(s) at the same position are present in gnomAD (highest allele count: v4: 92 heterozygote(s), 0 homozygote(s)); Previous evidence of pathogenicity for this variant is inconclusive. This variant has been reported in two siblings, only one of whom was symptomatic (PMID: 27507172); No published evidence of segregation with disease has been identified for this variant; No published functional evidence has been identified for this variant; Other missense variants comparable to the one identified in this case have conflicting previous evidence for pathogenicity. The p.(Ala293Thr) variant has been classified as a VUS, while the p.(Ala293Val) variant has been classified as a VUS and benign in ClinVar; Variant is located in the annotated coproporphyrinogen III oxidase domain (DECIPHER); Loss of function is a known mechanism of disease in this gene and is associated with CPOX-related hereditary coproporphyria (MONDO:0800180); The condition associated with this gene has incomplete penetrance. Asymptomatic heterozygous relatives of heterozygous affected individuals have been described (PMID:11309681).

Literature cited by the submitters: PubMed 11309681; PubMed 27507172.

NM_000097.7(CPOX):c.877G>C (p.Ala293Pro)

Gene: CPOX (coproporphyrinogen oxidase; minus strand). Cytogenetic location: 3q11.2.
Variant type: single nucleotide variant.
Coding change: c.877G>C on transcript NM_000097.7 (MANE Select); coding-DNA position 877, G replaced by C.
Protein change: p.Ala293Pro; replaces alanine 293 with proline.
Molecular consequence: missense variant.
Genome position (GRCh38, 1-based): chr3:98,588,789, C>G on the plus strand (G>C on the coding strand, the complement: CPOX is on the minus strand). VCF-style: chr3-98588789-C-G. GRCh37 (hg19) VCF-style: chr3-98307633-C-G.
Other names: short protein forms A293P.
Identifiers: ClinVar variation 4531914 (VCV004531914.1).